The following is an entry in ClinVar:

NM_006946.4(SPTBN2):c.158-153T>C

Gene: SPTBN2 (spectrin beta, non-erythrocytic 2; minus strand). Cytogenetic location: 11q13.2.
Variant type: single nucleotide variant.
Coding change: c.158-153T>C on transcript NM_006946.4 (MANE Select); 153 bases into the intron before coding-DNA position 158, T replaced by C.
Molecular consequence: intron variant.
Genome position (GRCh38, 1-based): chr11:66,716,134, A>G on the plus strand (T>C on the coding strand, the complement: SPTBN2 is on the minus strand). VCF-style: chr11-66716134-A-G. GRCh37 (hg19) VCF-style: chr11-66483605-A-G.
Identifiers: ClinVar variation 1683818 (VCV001683818.2), dbSNP rs9666734, ClinGen allele CA224097271.
Genomic context (GRCh38, chr11:66,716,134, plus strand): 5'-GAGAGATGGGAAGCGGGGTCCTCTAAGGAGGAGGAAGGGAAGGAAGATGACCGGGAGGAA[A>G]GCCCGTAACTTGCAATGAGCTCATAAGCAAGGTAAAGAAGAAAGATGAAAGACAGAAAAT-3'

ClinVar aggregate classification (germline): Likely benign (1 of 4 stars; one submission).

Allele frequency attached by ClinVar (database versions not stated): gnomAD 0.01081 and 0.01143; TOPMed 0.01198; 1000 Genomes Project 0.01458; 1000 Genomes Project 30x 0.01546.
gnomAD v4.1: 1,625 of 152,250 alleles (1.1%); highest among the groups gnomAD compares: African/African-American, 3.7%; 39 homozygotes.

Submission:

GeneDx
Classification: Likely benign. Last evaluated: 2021-05-24. Review status: criteria provided, single submitter. Criteria: GeneDx Variant Classification Process June 2021. Collection method: clinical testing. Allele origin: germline. Affected: yes.
Comment: See Variant Classification Assertion Criteria.